The following is an entry in ClinVar:

ClinVar aggregate classification (germline): Uncertain significance (1 of 4 stars; one submission).

Conditions:
Hereditary cancer-predisposing syndrome. Also called: Neoplastic Syndromes, Hereditary; Tumor predisposition; Hereditary Cancer Syndrome; Hereditary neoplastic syndrome. Identifiers: Orphanet 140162, MedGen C0027672, MeSH D009386, MONDO:0015356.

Submission:

Ambry Genetics
Classification: Uncertain significance for Hereditary cancer-predisposing syndrome. Last evaluated: 2026-03-03. Review status: criteria provided, single submitter. Criteria: Ambry Variant Classification Scheme 2023. Collection method: clinical testing. Allele origin: germline.
Comment: The p.Q159E variant (also known as c.475C>G), located in coding exon 4 of the RAD50 gene, results from a C to G substitution at nucleotide position 475. The glutamine at codon 159 is replaced by glutamic acid, an amino acid with highly similar properties. This amino acid position is conserved. In addition, the in silico prediction for this alteration is inconclusive. Based on the available evidence, the clinical significance of this variant remains unclear.

NM_005732.4(RAD50):c.475C>G (p.Gln159Glu)

Gene: RAD50 (RAD50 double strand break repair protein; plus strand). Cytogenetic location: 5q31.1.
Variant type: single nucleotide variant.
Coding change: c.475C>G on transcript NM_005732.4 (MANE Select); coding-DNA position 475, C replaced by G.
Protein change: p.Gln159Glu; replaces glutamine 159 with glutamic acid.
Molecular consequence: missense variant.
Genome position (GRCh38, 1-based): chr5:132,579,426, C>G. VCF-style: chr5-132579426-C-G. GRCh37 (hg19) VCF-style: chr5-131915118-C-G.
Other names: short protein forms Q159E.
Identifiers: ClinVar variation 4830042 (VCV004830042.1).